The following is an entry in ClinVar:

ClinVar aggregate classification (germline): Pathogenic/Likely pathogenic. Review status: criteria provided, multiple submitters, no conflicts (2 of 4 stars). 4 submissions from 4 submitters: Pathogenic (1); Likely pathogenic (3). Last evaluated 2025-05-02.

Conditions:
Hereditary cancer-predisposing syndrome. Also called: Hereditary neoplastic syndrome; Neoplastic Syndromes, Hereditary; Tumor predisposition; Hereditary Cancer Syndrome. Identifiers: Orphanet 140162, MedGen C0027672, MeSH D009386, MONDO:0015356.
Breast-ovarian cancer, familial, susceptibility to, 3. Also called: RAD51C-Related Breast/Ovarian Cancer. Identifiers: Orphanet 145, MedGen C3150659, MONDO:0013253, OMIM 613399.
Fanconi anemia complementation group O. Also called: RAD51C-Related Fanconi Anemia. Identifiers: Orphanet 84, MedGen C3150653, MONDO:0013248, OMIM 613390.

Submissions (4):

Ambry Genetics
Classification: Likely pathogenic for Hereditary cancer-predisposing syndrome. Last evaluated: 2025-05-02. Review status: criteria provided, single submitter. Criteria: Ambry Variant Classification Scheme 2023. Collection method: clinical testing. Allele origin: germline.
Comment: The c.405-1G>A intronic variant results from a G to A substitution one nucleotide upstream from coding exon 3 of the RAD51C gene. This variant is considered to be rare based on population cohorts in the Genome Aggregation Database (gnomAD). This nucleotide position is highly conserved in available vertebrate species. In silico splice site analysis predicts that this alteration will weaken the native splice acceptor site and will result in the creation or strengthening of a novel splice acceptor site. Alterations that disrupt the canonical splice site are expected to cause aberrant splicing, resulting in an abnormal protein or a transcript that is subject to nonsense-mediated mRNA decay. As such, this alteration is classified as likely pathogenic.

Labcorp Genetics (formerly Invitae), Labcorp
Classification: Pathogenic for Fanconi anemia complementation group O. Last evaluated: 2024-09-16. Review status: criteria provided, single submitter. Criteria: Invitae Variant Classification Sherloc (09022015). Collection method: clinical testing. Allele origin: germline.
Comment: This sequence change affects an acceptor splice site in intron 2 of the RAD51C gene. RNA analysis indicates that disruption of this splice site induces altered splicing and may result in an absent or altered protein product. This variant is not present in population databases (gnomAD no frequency). Disruption of this splice site has been observed in individual(s) with breast cancer (PMID: 32427313). ClinVar contains an entry for this variant (Variation ID: 409834). Studies have shown that disruption of this splice site alters mRNA splicing and is expected to lead to the loss of protein expression (PMID: 35740625; internal data). For these reasons, this variant has been classified as Pathogenic.

Myriad Genetics, Inc.
Classification: Likely pathogenic for Breast-ovarian cancer, familial, susceptibility to, 3. Last evaluated: 2024-01-02. Review status: criteria provided, single submitter. Criteria: Myriad Autosomal Dominant, Autosomal Recessive and X-Linked Classification Criteria (2023). Collection method: clinical testing. Allele origin: unknown.
Comment: This variant is considered likely pathogenic. This variant occurs within a consensus splice junction and is predicted to result in abnormal mRNA splicing of either an out-of-frame exon or an in-frame exon necessary for protein stability and/or normal function.

Baylor Genetics
Classification: Likely pathogenic for Breast-ovarian cancer, familial, susceptibility to, 3. Last evaluated: 2022-03-09. Review status: criteria provided, single submitter. Criteria: ACMG Guidelines, 2015. Collection method: clinical testing. Allele origin: unknown.

Literature cited by the submitters: PubMed 32427313 (cited by Labcorp Genetics (formerly Invitae), Labcorp); PubMed 35740625 (cited by Labcorp Genetics (formerly Invitae), Labcorp).

NM_058216.3(RAD51C):c.405-1G>A

Gene: RAD51C (RAD51 paralog C; plus strand). Cytogenetic location: 17q22.
Variant type: single nucleotide variant.
Coding change: c.405-1G>A on transcript NM_058216.3 (MANE Select); the canonical splice acceptor site of the intron before coding-DNA position 405, G replaced by A.
Molecular consequence: splice acceptor variant.
Genome position (GRCh38, 1-based): chr17:58,696,692, G>A. VCF-style: chr17-58696692-G-A. GRCh37 (hg19) VCF-style: chr17-56774053-G-A.
Other names: c.405-1G>A (NM_058216.1).
Identifiers: ClinVar variation 409834 (VCV000409834.12), dbSNP rs587782036, ClinGen allele CA16615461.